The following is an entry in ClinVar:

ClinVar aggregate classification (germline): Uncertain significance. Review status: criteria provided, multiple submitters, no conflicts (2 of 4 stars). 2 submissions from 2 submitters: Uncertain significance (2). Last evaluated 2023-06-07.

Conditions:
Distal hereditary motor neuropathy type 2. Identifiers: Orphanet 139525, MedGen C3711384, MeSH C580044, MONDO:0015352.

Allele frequency attached by ClinVar (database versions not stated): gnomAD 0.00001; gnomAD exomes 0.00001; TOPMed 0.00001; ExAC 0.00002.
gnomAD v4.1: 12 of 1,580,974 alleles (0.00076%); highest among the groups gnomAD compares: Admixed American, 0.0037%; no homozygotes.

Submissions (2):

Ambry Genetics
Classification: Uncertain significance. Last evaluated: 2023-06-07. Review status: criteria provided, single submitter. Criteria: Ambry Variant Classification Scheme 2023. Collection method: clinical testing. Allele origin: germline.

Labcorp Genetics (formerly Invitae), Labcorp
Classification: Uncertain significance for Distal hereditary motor neuropathy type 2. Last evaluated: 2022-10-17. Review status: criteria provided, single submitter. Criteria: Invitae Variant Classification Sherloc (09022015). Collection method: clinical testing. Allele origin: germline.
Comment: This variant is present in population databases (rs776031529, gnomAD 0.007%). This sequence change replaces lysine, which is basic and polar, with arginine, which is basic and polar, at codon 6 of the FBXO38 protein (p.Lys6Arg). This missense change has been observed in individual(s) with clinical features of distal hereditary motor neuropathy (Invitae). In summary, the available evidence is currently insufficient to determine the role of this variant in disease. Therefore, it has been classified as a Variant of Uncertain Significance. Advanced modeling of protein sequence and biophysical properties (such as structural, functional, and spatial information, amino acid conservation, physicochemical variation, residue mobility, and thermodynamic stability) performed at Invitae indicates that this missense variant is not expected to disrupt FBXO38 protein function.

NM_205836.3(FBXO38):c.17A>G (p.Lys6Arg)

Gene: FBXO38 (F-box protein 38; plus strand). Cytogenetic location: 5q32.
Variant type: single nucleotide variant.
Coding change: c.17A>G on transcript NM_205836.3 (MANE Select); coding-DNA position 17, A replaced by G.
Protein change: p.Lys6Arg; replaces lysine 6 with arginine.
Molecular consequence: missense variant.
Genome position (GRCh38, 1-based): chr5:148,394,793, A>G. VCF-style: chr5-148394793-A-G. GRCh37 (hg19) VCF-style: chr5-147774356-A-G.
Other names: c.17A>G, p.Lys6Arg (NM_001271723.2, NM_030793.5); short protein forms K6R.
Identifiers: ClinVar variation 1980385 (VCV001980385.6), dbSNP rs776031529, ClinGen allele CA3496939.
Genomic context (GRCh38, chr5:148,394,793, plus strand): 5'-ACAAAAGGGAAGATTTTCTCGTTGATACTGGAGACTGCACAACAATGGGGCCACGAAAGA[A>G]AAGTGTGAAAACATGTATCATGAATAATGAAATTCCAGAAGAAATGACAGCAGATGAAAC-3'
Protein context (NP_995308.1, residues 1-16): MGPRK[Lys6Arg]SVKTCIMNNE